The following is an entry in ClinVar:

ClinVar aggregate classification (germline): Uncertain significance (1 of 4 stars; one submission).

Conditions:
Congenital muscular dystrophy due to integrin alpha-7 deficiency. Also called: Congenital muscular dystrophy with integrin alpha-7 deficiency; Muscular dystrophy, congenital, due to ITGA7 deficiency; MYOPATHY, CONGENITAL, DUE TO INTEGRIN ALPHA-7 DEFICIENCY. Identifiers: Orphanet 34520, MedGen C2750786, MONDO:0013177, OMIM 613204.

gnomAD v4.1: 15 of 1,597,016 alleles (0.00094%); highest among the groups gnomAD compares: African/African-American, 0.0013%; no homozygotes.

Submission:

Labcorp Genetics (formerly Invitae), Labcorp
Classification: Uncertain significance for Congenital muscular dystrophy due to integrin alpha-7 deficiency. Last evaluated: 2025-10-07. Review status: criteria provided, single submitter. Criteria: Invitae Variant Classification Sherloc (09022015). Collection method: clinical testing. Allele origin: germline.
Comment: This sequence change replaces threonine, which is neutral and polar, with asparagine, which is neutral and polar, at codon 599 of the ITGA7 protein (p.Thr599Asn). This variant is present in population databases (rs763103443, gnomAD 0.004%). This variant has not been reported in the literature in individuals affected with ITGA7-related conditions. An algorithm developed to predict the effect of missense changes on protein structure and function (PolyPhen-2) suggests that this variant is likely to be tolerated. In summary, the available evidence is currently insufficient to determine the role of this variant in disease. Therefore, it has been classified as a Variant of Uncertain Significance.

NM_002206.3(ITGA7):c.1796C>A (p.Thr599Asn)

Gene: ITGA7 (integrin subunit alpha 7; minus strand). Cytogenetic location: 12q13.2.
Variant type: single nucleotide variant.
Coding change: c.1796C>A on transcript NM_002206.3 (MANE Select); coding-DNA position 1796, C replaced by A.
Protein change: p.Thr599Asn; replaces threonine 599 with asparagine.
Molecular consequence: missense variant.
Genome position (GRCh38, 1-based): chr12:55,696,374, G>T on the plus strand (C>A on the coding strand, the complement: ITGA7 is on the minus strand). VCF-style: chr12-55696374-G-T. GRCh37 (hg19) VCF-style: chr12-56090158-G-T.
Other names: c.1808C>A, p.Thr603Asn (NM_001144996.2); c.1517C>A, p.Thr506Asn (NM_001144997.2); c.1469C>A, p.Thr490Asn (NM_001367993.1); c.452C>A, p.Thr151Asn (NM_001367994.1); c.1778C>A, p.Thr593Asn (NM_001374465.1); c.1928C>A, p.Thr643Asn (NM_001410977.1); c.1790C>A, p.Thr597Asn (NM_001414029.1); c.1721C>A, p.Thr574Asn (NM_001414030.1); and 5 more; short protein forms T574N, T599N, T603N, T506N, T593N, T643N, T151N, T570N.
Identifiers: ClinVar variation 4773072 (VCV004773072.1).